The following is an entry in ClinVar:

ClinVar aggregate classification (germline): Uncertain significance (1 of 4 stars; one submission).

Conditions:
Symmetrical dyschromatosis of extremities (DSH). Also called: RETICULATE ACROPIGMENTATION OF DOHI; SYMMETRIC DYSCHROMATOSIS OF THE EXTREMITIES; Dyschromatosis symmetrica hereditaria; DYSCHROMATOSIS SYMMETRICA HEREDITARIA 1. Identifiers: Orphanet 41, MedGen C0406775, MONDO:0007483, OMIM 127400.
Aicardi-Goutieres syndrome 6 (AGS6). Identifiers: Orphanet 51, MedGen C3539013, MONDO:0014007, OMIM 615010.

Submission:

Labcorp Genetics (formerly Invitae), Labcorp
Classification: Uncertain significance for Aicardi-Goutieres syndrome 6; Symmetrical dyschromatosis of extremities. Last evaluated: 2024-03-22. Review status: criteria provided, single submitter. Criteria: Invitae Variant Classification Sherloc (09022015). Collection method: clinical testing. Allele origin: germline.
Comment: This sequence change falls in intron 12 of the ADAR gene. It does not directly change the encoded amino acid sequence of the ADAR protein. It affects a nucleotide within the consensus splice site. This variant is not present in population databases (gnomAD no frequency). This variant has not been reported in the literature in individuals affected with ADAR-related conditions. Variants that disrupt the consensus splice site are a relatively common cause of aberrant splicing (PMID: 17576681, 9536098). Algorithms developed to predict the effect of sequence changes on RNA splicing suggest that this variant may disrupt the consensus splice site. In summary, the available evidence is currently insufficient to determine the role of this variant in disease. Therefore, it has been classified as a Variant of Uncertain Significance.

Literature cited by the submitters: PubMed 17576681; PubMed 9536098.

NM_001111.5(ADAR):c.3202+3A>G

Gene: ADAR (adenosine deaminase RNA specific; minus strand). Cytogenetic location: 1q21.3.
Variant type: single nucleotide variant.
Coding change: c.3202+3A>G on transcript NM_001111.5 (MANE Select); 3 bases into the intron after coding-DNA position 3202, A replaced by G.
Molecular consequence: intron variant.
Genome position (GRCh38, 1-based): chr1:154,586,178, T>C on the plus strand (A>G on the coding strand, the complement: ADAR is on the minus strand). VCF-style: chr1-154586178-T-C. GRCh37 (hg19) VCF-style: chr1-154558654-T-C.
Other names: c.2317+3A>G (NM_001365046.1, NM_001025107.3, NM_001365048.1 and 2 more transcripts); c.3229+3A>G (NM_001365045.1); c.2239+3A>G (NM_001365049.1); c.3067+3A>G (NM_015841.4); c.3124+3A>G (NM_015840.4).
Identifiers: ClinVar variation 3755319 (VCV003755319.2).